The following is an entry in ClinVar:

NM_001829.4(CLCN3):c.1254C>T (p.Arg418=)

Gene: CLCN3 (Cl-/H+ antiporter 3; plus strand). Cytogenetic location: 4q33.
Variant type: single nucleotide variant.
Coding change: c.1254C>T on transcript NM_001829.4 (MANE Select); coding-DNA position 1254, C replaced by T.
Protein change: p.Arg418=; no amino-acid change (arginine 418 retained).
Molecular consequence: synonymous variant.
Genome position (GRCh38, 1-based): chr4:169,697,425, C>T. VCF-style: chr4-169697425-C-T. GRCh37 (hg19) VCF-style: chr4-170618576-C-T.
Other names: c.1173C>T, p.Arg391= (NM_001243372.2, NM_001243374.2); c.1254C>T, p.Arg418= (NM_173872.4).
Identifiers: ClinVar variation 4534974 (VCV004534974.7).

ClinVar aggregate classification (germline): Likely benign. Review status: criteria provided, multiple submitters, no conflicts (2 of 4 stars). 2 submissions from 2 submitters: Likely benign (2). Last evaluated 2025-10-01.

gnomAD v4.1: 3 of 1,614,152 alleles (0.00019%); no homozygotes.

Submissions (2):

CeGaT Center for Human Genetics Tuebingen
Classification: Likely benign. Last evaluated: 2025-10-01. Review status: criteria provided, single submitter. Criteria: CeGaT Center For Human Genetics Tuebingen Variant Classification Criteria Version 2. Collection method: clinical testing. Allele origin: germline. Affected: yes. Observed: 1 variant allele.
Comment: CLCN3: BP4, BP7

Blueprint Genetics
Classification: Likely benign. Last evaluated: 2022-07-26. Review status: criteria provided, single submitter. Criteria: ACMG Guidelines, 2015. Collection method: clinical testing. Allele origin: germline.